The following is an entry in ClinVar:

NM_014239.4(EIF2B2):c.3G>A (p.Met1Ile)

Gene: EIF2B2 (eukaryotic translation initiation factor 2B subunit beta; plus strand). Cytogenetic location: 14q24.3.
Variant type: single nucleotide variant.
Coding change: c.3G>A on transcript NM_014239.4 (MANE Select); coding-DNA position 3, G replaced by A.
Protein change: p.Met1Ile; changes the start codon (methionine 1).
Molecular consequence: missense variant, initiator codon variant.
Genome position (GRCh38, 1-based): chr14:75,002,993, G>A. VCF-style: chr14-75002993-G-A. GRCh37 (hg19) VCF-style: chr14-75469696-G-A.
Other names: short protein forms M1I.
Identifiers: ClinVar variation 984938 (VCV000984938.3), dbSNP rs767933078, ClinGen allele CA390422769.

ClinVar aggregate classification (germline): Likely pathogenic (1 of 4 stars; one submission).

Conditions:
Vanishing white matter disease. Also called: Childhood ataxia with diffuse central nervous system hypomyelination; Leukoencephalopathy with vanishing white matter; CACH/VWM syndrome; Cree leukoencehalopathy; CACH syndrome. Identifiers: Orphanet 135, Orphanet 99853, MedGen C1858991, MONDO:0800448.

Submission:

Rady Children's Institute for Genomic Medicine, Rady Children's Hospital San Diego
Classification: Likely pathogenic for Leukoencephalopathy with vanishing white matter. Last evaluated: 2020-02-20. Review status: criteria provided, single submitter. Criteria: ACMG Guidelines, 2015. Collection method: clinical testing. Allele origin: germline. Affected: yes.
Comment: This start lost variant affects the translation initiation codon (Met1) and is therefore predicted to result in loss of normal protein function. This variant has not been previously reported or functionally characterized in the literature to our knowledge. A different variant at the same amino acid residue, c.3G>T (p.Met1Ile), is known to ClinVar and has been classified as Pathogenic (Variation ID: 280422). This variant is absent from the ExAC and gnomAD population databases and thus is presumed to be rare. Based on the available evidence, the c.3G>A (p.Met1?) variant is classified as Likely Pathogenic.